The following is an entry in ClinVar:

NM_018979.4(WNK1):c.2294C>G (p.Ser765Cys)

Gene: WNK1 (WNK lysine deficient protein kinase 1; plus strand). Cytogenetic location: 12p13.33.
Variant type: single nucleotide variant.
Coding change: c.2294C>G on transcript NM_018979.4 (MANE Select); coding-DNA position 2294, C replaced by G.
Protein change: p.Ser765Cys; replaces serine 765 with cysteine.
Molecular consequence: missense variant.
Genome position (GRCh38, 1-based): chr12:878,282, C>G. VCF-style: chr12-878282-C-G. GRCh37 (hg19) VCF-style: chr12-987448-C-G.
Other names: c.3533C>G, p.Ser1178Cys (NM_001184985.2); c.2291C>G, p.Ser764Cys (NM_014823.3); c.3788C>G, p.Ser1263Cys (NM_213655.5); short protein forms S1178C, S1263C, S764C, S765C.
Identifiers: ClinVar variation 3761022 (VCV003761022.2).
Genomic context (GRCh38, chr12:878,282, plus strand): 5'-TACAGCAGACAGCCCCTCCTCAACAGACAGTGCAGTATTCACTTTCACAGACATCAACCT[C>G]CAGTGAGGCCACTACTGCACAGCCAGTGAGTCAGCCTCAAGCTCCACAAGTCTTGCCTCA-3'
Protein context (NP_061852.3, residues 755-775): VQYSLSQTST[Ser765Cys]SEATTAQPVS

ClinVar aggregate classification (germline): Uncertain significance (1 of 4 stars; one submission).

Conditions:
Neuropathy, hereditary sensory and autonomic, type 2A (HSAN2A). Also called: ACROOSTEOLYSIS, GIACCAI TYPE; ACROOSTEOLYSIS, NEUROGENIC; MORVAN DISEASE; NEUROPATHY, CONGENITAL SENSORY; NEUROPATHY, HEREDITARY SENSORY RADICULAR, AUTOSOMAL RECESSIVE; NEUROPATHY, HEREDITARY SENSORY, TYPE IIA. Identifiers: Orphanet 970, MedGen C2752089, MONDO:0024309, OMIM 201300.
Pseudohypoaldosteronism type 2C (PHA2C). Also called: Pseudohypoaldosteronism Type IIC. Identifiers: Orphanet 757, Orphanet 88940, MedGen C1840391, MONDO:0013778, OMIM 614492.

gnomAD v4.1: 6 of 1,613,966 alleles (0.00037%); highest among the groups gnomAD compares: African/African-American, 0.0067%; no homozygotes.

Submission:

Labcorp Genetics (formerly Invitae), Labcorp
Classification: Uncertain significance for Neuropathy, hereditary sensory and autonomic, type 2A; Pseudohypoaldosteronism type 2C. Last evaluated: 2024-03-16. Review status: criteria provided, single submitter. Criteria: Invitae Variant Classification Sherloc (09022015). Collection method: clinical testing. Allele origin: germline.
Comment: This sequence change replaces serine, which is neutral and polar, with cysteine, which is neutral and slightly polar, at codon 1263 of the WNK1 protein (p.Ser1263Cys). This variant is present in population databases (rs754623220, gnomAD 0.008%). This variant has not been reported in the literature in individuals affected with WNK1-related conditions. Advanced modeling of protein sequence and biophysical properties (such as structural, functional, and spatial information, amino acid conservation, physicochemical variation, residue mobility, and thermodynamic stability) performed at Invitae indicates that this missense variant is not expected to disrupt WNK1 protein function with a negative predictive value of 95%. In summary, the available evidence is currently insufficient to determine the role of this variant in disease. Therefore, it has been classified as a Variant of Uncertain Significance.